The following is an entry in ClinVar:

ClinVar aggregate classification (germline): Uncertain significance. Review status: criteria provided, multiple submitters, no conflicts (2 of 4 stars). 4 submissions from 4 submitters: Uncertain significance (4). Last evaluated 2025-06-24.

Conditions:
Epidermolysis bullosa simplex 7, with nephropathy and deafness. Also called: Nephropathy with Pretibial Epidermolysis Bullosa and Deafness; Nephrotic syndrome - deafness - pretibial epidermolysis bullosa syndrome. Identifiers: Orphanet 300333, MedGen C1836823, MONDO:0012190, OMIM 609057.

Allele frequency attached by ClinVar (database versions not stated): gnomAD exomes 0.00004 and 0.00009; 1000 Genomes Project 30x 0.00031; TOPMed 0.00004; gnomAD 0.00005 and 0.00004; ExAC 0.00011; 1000 Genomes Project 0.00040.

Submissions (4):

Labcorp Genetics (formerly Invitae), Labcorp
Classification: Uncertain significance. Last evaluated: 2025-06-24. Review status: criteria provided, single submitter. Criteria: Invitae Variant Classification Sherloc (09022015). Collection method: clinical testing. Allele origin: germline.
Comment: This sequence change replaces arginine, which is basic and polar, with cysteine, which is neutral and slightly polar, at codon 171 of the CD151 protein (p.Arg171Cys). This variant is present in population databases (rs139042921, gnomAD 0.03%). This variant has not been reported in the literature in individuals affected with CD151-related conditions. ClinVar contains an entry for this variant (Variation ID: 1028737). An algorithm developed to predict the effect of missense changes on protein structure and function (PolyPhen-2) suggests that this variant is likely to be disruptive. In summary, the available evidence is currently insufficient to determine the role of this variant in disease. Therefore, it has been classified as a Variant of Uncertain Significance.

Blueprint Genetics
Classification: Uncertain significance. Last evaluated: 2024-10-25. Review status: criteria provided, single submitter. Criteria: ACMG Guidelines, 2015. Collection method: clinical testing. Allele origin: germline.

Baylor Genetics
Classification: Uncertain significance for Epidermolysis bullosa simplex 7, with nephropathy and deafness. Last evaluated: 2019-07-23. Review status: criteria provided, single submitter. Criteria: ACMG Guidelines, 2015. Collection method: clinical testing. Allele origin: unknown. Affected: yes.
Comment: This variant was determined to be of uncertain significance according to ACMG Guidelines, 2015 [PMID:25741868].

Breakthrough Genomics
Classification: Uncertain significance. Review status: criteria provided, single submitter. Criteria: ACMG Guidelines, 2015. Collection method: not provided. Allele origin: germline. Inheritance: Autosomal recessive inheritance. Affected: yes.

NM_004357.5(CD151):c.511C>T (p.Arg171Cys)

Gene: CD151 (CD151 molecule (Raph blood group); plus strand). Cytogenetic location: 11p15.5.
Variant type: single nucleotide variant.
Coding change: c.511C>T on transcript NM_004357.5 (MANE Select); coding-DNA position 511, C replaced by T.
Protein change: p.Arg171Cys; replaces arginine 171 with cysteine.
Molecular consequence: missense variant.
Genome position (GRCh38, 1-based): chr11:837,514, C>T. VCF-style: chr11-837514-C-T. GRCh37 (hg19) VCF-style: chr11-837514-C-T.
Other names: c.511C>T, p.Arg171Cys (NM_001039490.2, NM_139029.2, NM_139030.4); short protein forms R171C.
Identifiers: ClinVar variation 1028737 (VCV001028737.8), dbSNP rs139042921, ClinGen allele CA5792247.